The following is an entry in ClinVar:

NM_025099.6(CTC1):c.2996C>A (p.Pro999His)

Gene: CTC1 (CST telomere replication complex component 1; minus strand). Cytogenetic location: 17p13.1.
Variant type: single nucleotide variant.
Coding change: c.2996C>A on transcript NM_025099.6 (MANE Select); coding-DNA position 2996, C replaced by A.
Protein change: p.Pro999His; replaces proline 999 with histidine.
Molecular consequence: missense variant. On other transcripts: non-coding transcript variant (1).
Genome position (GRCh38, 1-based): chr17:8,229,906, G>T on the plus strand (C>A on the coding strand, the complement: CTC1 is on the minus strand). VCF-style: chr17-8229906-G-T. GRCh37 (hg19) VCF-style: chr17-8133224-G-T.
Other names: short protein forms P999H.
Identifiers: ClinVar variation 973633 (VCV000973633.11), dbSNP rs780572571, ClinGen allele CA397972994.

ClinVar aggregate classification (germline): Uncertain significance. Review status: criteria provided, multiple submitters, no conflicts (2 of 4 stars). 4 submissions from 4 submitters: Uncertain significance (3). 1 of the submissions does not count toward it. Last evaluated 2025-10-27.

Conditions:
Cerebroretinal microangiopathy with calcifications and cysts 1 (CRMCC1). Identifiers: Orphanet 313838, MedGen C4552029, MONDO:0024564, OMIM 612199.
Dyskeratosis congenita. Identifiers: Orphanet 1775, MedGen C0265965, MONDO:0015780.

Allele frequency attached by ClinVar (database versions not stated): gnomAD 0.00001; TOPMed 0.00002.
gnomAD v4.1: 4 of 1,613,862 alleles (0.00025%); highest among the groups gnomAD compares: Admixed American, 0.0017%; no homozygotes.

Submissions (4):

Labcorp Genetics (formerly Invitae), Labcorp
Classification: Uncertain significance for Dyskeratosis congenita. Last evaluated: 2025-10-27. Review status: criteria provided, single submitter. Criteria: Invitae Variant Classification Sherloc (09022015). Collection method: clinical testing. Allele origin: germline.
Comment: This sequence change replaces proline, which is neutral and non-polar, with histidine, which is basic and polar, at codon 999 of the CTC1 protein (p.Pro999His). This variant is present in population databases (no rsID available, gnomAD no frequency). This missense change has been observed in individual(s) with neutropenia (PMID: 34573280). ClinVar contains an entry for this variant (Variation ID: 973633). Invitae Evidence Modeling of protein sequence and biophysical properties (such as structural, functional, and spatial information, amino acid conservation, physicochemical variation, residue mobility, and thermodynamic stability) has been performed for this missense variant. However, the output from this modeling did not meet the statistical confidence thresholds required to predict the impact of this variant on CTC1 protein function. In summary, the available evidence is currently insufficient to determine the role of this variant in disease. Therefore, it has been classified as a Variant of Uncertain Significance.

Blueprint Genetics
Classification: Uncertain significance. Last evaluated: 2022-08-10. Review status: criteria provided, single submitter. Criteria: ACMG Guidelines, 2015. Collection method: clinical testing. Allele origin: germline.

New York Genome Center
Classification: Uncertain significance for Cerebroretinal microangiopathy with calcifications and cysts 1. Last evaluated: 2021-02-05. Review status: criteria provided, single submitter. Criteria: NYGC Assertion Criteria 2020. Collection method: clinical testing. Allele origin: germline. Observed: 1 heterozygote. Study: CSER-NYCKidSeq.

UOSD Laboratory of Genetics & Genomics of Rare Diseases, Istituto Giannina Gaslini
Classification: Uncertain significance for Cerebroretinal microangiopathy with calcifications and cysts 1. Last evaluated: 2020-05-21. Review status: no assertion criteria provided. Collection method: clinical testing. Allele origin: germline. Affected: yes. Observed: 1 variant allele. Not counted in ClinVar's aggregate classification.

Literature cited by the submitters: PubMed 34573280 (cited by Labcorp Genetics (formerly Invitae), Labcorp).